The following is an entry in ClinVar:

NM_006846.4(SPINK5):c.1977G>T (p.Lys659Asn)

Gene: SPINK5 (serine peptidase inhibitor Kazal type 5; plus strand). Cytogenetic location: 5q32.
Variant type: single nucleotide variant.
Coding change: c.1977G>T on transcript NM_006846.4 (MANE Select); coding-DNA position 1977, G replaced by T.
Protein change: p.Lys659Asn; replaces lysine 659 with asparagine.
Molecular consequence: missense variant.
Genome position (GRCh38, 1-based): chr5:148,114,451, G>T. VCF-style: chr5-148114451-G-T. GRCh37 (hg19) VCF-style: chr5-147494014-G-T.
Other names: c.1977G>T, p.Lys659Asn (NM_001127698.2, NM_001127699.2); short protein forms K659N.
Identifiers: ClinVar variation 1400927 (VCV001400927.8), dbSNP rs1244556489, ClinGen allele CA361642495.

ClinVar aggregate classification (germline): Uncertain significance (1 of 4 stars; one submission).

Conditions:
Ichthyosis linearis circumflexa. Identifiers: MedGen C0265962, MONDO:0043106, HP:0025810.

gnomAD v4.1: 4 of 1,613,686 alleles (0.00025%); highest among the groups gnomAD compares: South Asian, 0.0033%; no homozygotes.

Submission:

Labcorp Genetics (formerly Invitae), Labcorp
Classification: Uncertain significance for Ichthyosis linearis circumflexa. Last evaluated: 2025-07-10. Review status: criteria provided, single submitter. Criteria: Invitae Variant Classification Sherloc (09022015). Collection method: clinical testing. Allele origin: germline.
Comment: This sequence change replaces lysine, which is basic and polar, with asparagine, which is neutral and polar, at codon 659 of the SPINK5 protein (p.Lys659Asn). This variant is not present in population databases (gnomAD no frequency). This variant has not been reported in the literature in individuals affected with SPINK5-related conditions. ClinVar contains an entry for this variant (Variation ID: 1400927). Invitae Evidence Modeling of protein sequence and biophysical properties (such as structural, functional, and spatial information, amino acid conservation, physicochemical variation, residue mobility, and thermodynamic stability) has been performed for this missense variant. However, the output from this modeling did not meet the statistical confidence thresholds required to predict the impact of this variant on SPINK5 protein function. In summary, the available evidence is currently insufficient to determine the role of this variant in disease. Therefore, it has been classified as a Variant of Uncertain Significance.